The following is an entry in ClinVar:

NM_000489.6(ATRX):c.5957G>A (p.Ser1986Asn)

Gene: ATRX (ATRX chromatin remodeler; minus strand). Cytogenetic location: Xq21.1.
Variant type: single nucleotide variant.
Coding change: c.5957G>A on transcript NM_000489.6 (MANE Select); coding-DNA position 5957, G replaced by A.
Protein change: p.Ser1986Asn; replaces serine 1986 with asparagine.
Molecular consequence: missense variant.
Genome position (GRCh38, 1-based): chrX:77,593,849, C>T on the plus strand (G>A on the coding strand, the complement: ATRX is on the minus strand). VCF-style: chrX-77593849-C-T. GRCh37 (hg19) VCF-style: chrX-76849319-C-T.
Other names: c.5843G>A, p.Ser1948Asn (NM_138270.5); short protein forms S1986N, S1948N.
Identifiers: ClinVar variation 838166 (VCV000838166.13), dbSNP rs2066370578, ClinGen allele CA413703365.
Genomic context (GRCh38, chrX:77,593,849, plus strand): 5'-ACAAAATCTTTGTACCAGTCTGGAGCTGGGCTGCTTGGATTAGAAGAAGAAGTAGCTTTA[C>T]CTAAATAAGACAAATGGAACATAAGTAGGTAAATTAGAAAAGAAATGGAAAGAGAGCAAG-3'
Protein context (NP_000480.3, residues 1976-1996): NPSVSLKLEE[Ser1986Asn]KATSSSNPSS

ClinVar aggregate classification (germline): Uncertain significance (1 of 4 stars; one submission).

Conditions:
Alpha thalassemia-X-linked intellectual disability syndrome (ATRX). Also called: ATR-X syndrome; Alpha thalassemia mental retardation syndrome, nondeletion type, X-linked; XLMR hypotonic face syndrome; ALPHA-THALASSEMIA/IMPAIRED INTELLECTUAL DEVELOPMENT SYNDROME, X-LINKED; ALPHA-THALASSEMIA/MENTAL RETARDATION SYNDROME, X-LINKED; ATR, NONDELETION TYPE. Identifiers: Orphanet 847, MedGen C1845055, MONDO:0010519, OMIM 301040.

Submission:

Labcorp Genetics (formerly Invitae), Labcorp
Classification: Uncertain significance for Alpha thalassemia-X-linked intellectual disability syndrome. Last evaluated: 2022-01-13. Review status: criteria provided, single submitter. Criteria: Invitae Variant Classification Sherloc (09022015). Collection method: clinical testing. Allele origin: germline.
Comment: This variant has not been reported in the literature in individuals affected with ATRX-related conditions. ClinVar contains an entry for this variant (Variation ID: 838166). Algorithms developed to predict the effect of missense changes on protein structure and function (SIFT, PolyPhen-2, Align-GVGD) all suggest that this variant is likely to be tolerated. In summary, the available evidence is currently insufficient to determine the role of this variant in disease. Therefore, it has been classified as a Variant of Uncertain Significance. This variant is not present in population databases (gnomAD no frequency). This sequence change replaces serine, which is neutral and polar, with asparagine, which is neutral and polar, at codon 1986 of the ATRX protein (p.Ser1986Asn).